The following is an entry in ClinVar:

NM_006059.4(LAMC3):c.1084C>T (p.Pro362Ser)

Gene: LAMC3 (laminin subunit gamma 3; plus strand). Cytogenetic location: 9q34.12.
Variant type: single nucleotide variant.
Coding change: c.1084C>T on transcript NM_006059.4 (MANE Select); coding-DNA position 1084, C replaced by T.
Protein change: p.Pro362Ser; replaces proline 362 with serine.
Molecular consequence: missense variant.
Genome position (GRCh38, 1-based): chr9:131,038,971, C>T. VCF-style: chr9-131038971-C-T. GRCh37 (hg19) VCF-style: chr9-133914358-C-T.
Other names: short protein forms P362S.
Identifiers: ClinVar variation 1368050 (VCV001368050.8), dbSNP rs754961749, ClinGen allele CA5286933.

ClinVar aggregate classification (germline): Uncertain significance (1 of 4 stars; one submission).

Allele frequency attached by ClinVar (database versions not stated): gnomAD exomes below 0.00001; ExAC 0.00001.
gnomAD v4.1: 2 of 1,613,430 alleles (0.00012%); highest among the groups gnomAD compares: Non-Finnish European, 0.00017%; no homozygotes.

Submission:

Labcorp Genetics (formerly Invitae), Labcorp
Classification: Uncertain significance. Last evaluated: 2022-03-13. Review status: criteria provided, single submitter. Criteria: Invitae Variant Classification Sherloc (09022015). Collection method: clinical testing. Allele origin: germline.
Comment: This sequence change replaces proline, which is neutral and non-polar, with serine, which is neutral and polar, at codon 362 of the LAMC3 protein (p.Pro362Ser). This variant is present in population databases (rs754961749, gnomAD 0.0009%). This variant has not been reported in the literature in individuals affected with LAMC3-related conditions. Algorithms developed to predict the effect of missense changes on protein structure and function are either unavailable or do not agree on the potential impact of this missense change (SIFT: "Tolerated"; PolyPhen-2: "Probably Damaging"; Align-GVGD: "Class C15"). In summary, the available evidence is currently insufficient to determine the role of this variant in disease. Therefore, it has been classified as a Variant of Uncertain Significance.